The following is an entry in ClinVar:

ClinVar aggregate classification (germline): Likely pathogenic (1 of 4 stars; one submission).

Submission:

Quest Diagnostics Nichols Institute San Juan Capistrano
Classification: Likely pathogenic. Last evaluated: 2024-12-11. Review status: criteria provided, single submitter. Criteria: Quest Diagnostics criteria. Collection method: clinical testing. Allele origin: unknown.
Comment: The BRCA2 c.3236_3237del (p.Ser1079*) variant alters the translational reading frame of the BRCA2 mRNA and is predicted to cause the premature termination of BRCA2 protein synthesis. This variant has not been reported in individuals with BRCA2-related conditions in the published literature. This variant has not been reported in large, multi-ethnic general populations (Genome Aggregation Database). Based on the available information, this variant is classified as likely pathogenic.

NM_000059.4(BRCA2):c.3236_3237del (p.Val1078_Ser1079insTer)

Gene: BRCA2 (BRCA2 DNA repair associated; plus strand). Cytogenetic location: 13q13.1.
Variant type: Deletion.
Coding change: c.3236_3237del on transcript NM_000059.4 (MANE Select); coding-DNA positions 3236 to 3237, 2 bases deleted (CT; older notation c.3236_3237delCT).
Protein change: p.Val1078_Ser1079insTer.
Molecular consequence: nonsense. On other transcripts: frameshift variant (1), non-coding transcript variant (1), intron variant (2).
Genome position (GRCh38, 1-based): chr13:32,337,591-32,337,592, CT deleted; deleting any 2 consecutive bases within chr13:32,337,590-32,337,592 gives the same sequence; the c. name uses the placement nearest the transcript's 3' end. VCF-style (leftmost placement, unchanged base first): chr13-32337589-TTC-T. GRCh37 (hg19) VCF-style: chr13-32911726-TTC-T.
Other names: c.3236_3237delCT, p.Ser1079Terfs (NM_000059.3); c.3236_3237del, p.Val1078_Ser1079insTer (NM_001406719.1, NM_001406720.1, NM_001432077.1); c.1909+4204_1909+4205del (NM_001406721.1); c.424+6561_424+6562del (NM_001406722.1).
Identifiers: ClinVar variation 4532824 (VCV004532824.1).